The following is an entry in ClinVar:

ClinVar aggregate classification (germline): Likely benign (0 of 4 stars; one submission).

Conditions:
ITPR2-related disorder. Also called: ITPR2-related condition.

Allele frequency attached by ClinVar (database versions not stated): gnomAD exomes below 0.00001; ExAC 0.00001; TOPMed 0.00001.
gnomAD v4.1: 5 of 1,607,112 alleles (0.00031%); highest among the groups gnomAD compares: East Asian, 0.011%; no homozygotes.

Submission:

PreventionGenetics, part of Exact Sciences
Classification: Likely benign for ITPR2-related condition. Last evaluated: 2019-09-10. Review status: no assertion criteria provided. Collection method: clinical testing. Allele origin: germline.
Comment: This variant is classified as likely benign based on ACMG/AMP sequence variant interpretation guidelines (Richards et al. 2015 PMID: 25741868, with internal and published modifications).

NM_002223.4(ITPR2):c.4381-8C>T

Gene: ITPR2 (inositol 1,4,5-trisphosphate receptor type 2; minus strand). Cytogenetic location: 12p11.23.
Variant type: single nucleotide variant.
Coding change: c.4381-8C>T on transcript NM_002223.4 (MANE Select); 8 bases into the intron before coding-DNA position 4381, C replaced by T.
Molecular consequence: intron variant.
Genome position (GRCh38, 1-based): chr12:26,580,163, G>A on the plus strand (C>T on the coding strand, the complement: ITPR2 is on the minus strand). VCF-style: chr12-26580163-G-A. GRCh37 (hg19) VCF-style: chr12-26733096-G-A.
Other names: c.4378-8C>T (NM_001414174.1); c.4381-8C>T (NM_001414175.1).
Identifiers: ClinVar variation 3039900 (VCV003039900.2), dbSNP rs756802555, ClinGen allele CA6489027.